The following is an entry in ClinVar:

NM_021072.4(HCN1):c.290del (p.Gln97fs)

Gene: HCN1 (hyperpolarization activated cyclic nucleotide gated potassium channel 1; minus strand). Cytogenetic location: 5p12.
Variant type: Deletion.
Coding change: c.290del on transcript NM_021072.4 (MANE Select); coding-DNA position 290, one base deleted (A; older notation c.290delA).
Protein change: p.Gln97fs; shifts the reading frame from glutamine 97.
Molecular consequence: frameshift variant.
Genome position (GRCh38, 1-based): chr5:45,695,804, T deleted on the plus strand (A on the coding strand, the reverse complement: HCN1 is on the minus strand). VCF-style (leftmost placement, unchanged base first): chr5-45695803-CT-C. GRCh37 (hg19) VCF-style: chr5-45695905-CT-C.
Other names: short protein forms Q97fs.
Identifiers: ClinVar variation 1503391 (VCV001503391.9), dbSNP rs2112108952, ClinGen allele CA2573139745.

ClinVar aggregate classification (germline): Uncertain significance (1 of 4 stars; one submission).

Conditions:
Early-infantile DEE. Also called: Early infantile epileptic encephalopathy; Ohtahara syndrome; Early infantile epileptic encephalopathy with suppression bursts. Identifiers: Orphanet 1934, MedGen C0393706, MONDO:0800491.

Submission:

Labcorp Genetics (formerly Invitae), Labcorp
Classification: Uncertain significance for Early-infantile DEE. Last evaluated: 2022-01-15. Review status: criteria provided, single submitter. Criteria: Invitae Variant Classification Sherloc (09022015). Collection method: clinical testing. Allele origin: germline.
Comment: In summary, the available evidence is currently insufficient to determine the role of this variant in disease. Therefore, it has been classified as a Variant of Uncertain Significance. This premature translational stop signal has been observed in at least one individual who was not affected with HCN1-related conditions (Invitae). This variant has not been reported in the literature in individuals affected with HCN1-related conditions. This variant is not present in population databases (gnomAD no frequency). This sequence change creates a premature translational stop signal (p.Gln97Argfs*51) in the HCN1 gene. It is expected to result in an absent or disrupted protein product. However, the current clinical and genetic evidence is not sufficient to establish whether loss-of-function variants in HCN1 cause disease.